The following is an entry in ClinVar:

ClinVar aggregate classification (germline): Uncertain significance (1 of 4 stars; one submission).

Conditions:
Kleefstra syndrome 1 (KLEFS1). Identifiers: Orphanet 261494, MedGen C0795833, MONDO:0027407, OMIM 610253.

gnomAD v4.1: 5 of 1,613,684 alleles (0.00031%); highest among the groups gnomAD compares: Non-Finnish European, 0.00034%; no homozygotes.

Submission:

Labcorp Genetics (formerly Invitae), Labcorp
Classification: Uncertain significance for Kleefstra syndrome 1. Last evaluated: 2025-12-30. Review status: criteria provided, single submitter. Criteria: Invitae Variant Classification Sherloc (09022015). Collection method: clinical testing. Allele origin: germline.
Comment: This sequence change replaces asparagine, which is neutral and polar, with tyrosine, which is neutral and polar, at codon 772 of the EHMT1 protein (p.Asn772Tyr). This variant is present in population databases (no rsID available, gnomAD 0.0009%). This variant has not been reported in the literature in individuals affected with EHMT1-related conditions. Invitae Evidence Modeling of protein sequence and biophysical properties (such as structural, functional, and spatial information, amino acid conservation, physicochemical variation, residue mobility, and thermodynamic stability) indicates that this missense variant is not expected to disrupt EHMT1 protein function with a negative predictive value of 80%. In summary, the available evidence is currently insufficient to determine the role of this variant in disease. Therefore, it has been classified as a Variant of Uncertain Significance.

NM_024757.5(EHMT1):c.2314A>T (p.Asn772Tyr)

Gene: EHMT1 (euchromatic histone lysine methyltransferase 1; plus strand). Cytogenetic location: 9q34.3.
Variant type: single nucleotide variant.
Coding change: c.2314A>T on transcript NM_024757.5 (MANE Select); coding-DNA position 2314, A replaced by T.
Protein change: p.Asn772Tyr; replaces asparagine 772 with tyrosine.
Molecular consequence: missense variant.
Genome position (GRCh38, 1-based): chr9:137,782,329, A>T. VCF-style: chr9-137782329-A-T. GRCh37 (hg19) VCF-style: chr9-140676781-A-T.
Other names: c.2314A>T, p.Asn772Tyr (NM_001145527.2); c.2221A>T, p.Asn741Tyr (NM_001354259.2); c.2293A>T, p.Asn765Tyr (NM_001354263.2); short protein forms N741Y, N765Y, N772Y.
Identifiers: ClinVar variation 4739953 (VCV004739953.1).